The following is an entry in ClinVar:

ClinVar aggregate classification (germline): Conflicting classifications of pathogenicity. Review status: criteria provided, conflicting classifications (1 of 4 stars). 6 submissions from 3 submitters: Uncertain significance (4); Benign (1); Likely benign (1). Last evaluated 2025-12-16.

Conditions:
Age related macular degeneration 4. Identifiers: MedGen C1853147, MONDO:0012540, OMIM 610698.
Basal laminar drusen. Also called: DRUSEN OF BRUCH MEMBRANE; DRUSEN, CUTICULAR; DRUSEN, EARLY ADULT-ONSET, GROUPED. Identifiers: Orphanet 75376, MedGen C0730295, MONDO:0007472, OMIM 126700.
Hemolytic uremic syndrome, atypical, susceptibility to, 1. Also called: AHUS, SUSCEPTIBILITY TO, 1. Identifiers: Orphanet 2134, Orphanet 90038, MedGen C2749604, MONDO:0009335, OMIM 235400. Disease mechanism: Other.
CFH-Related Dense Deposit Disease / Membranoproliferative Glomerulonephritis Type II. Identifiers: MedGen CN071292.

Allele frequency attached by ClinVar (database versions not stated): TOPMed 0.00022.
gnomAD v4.1: 243 of 1,611,872 alleles (0.015%); highest among the groups gnomAD compares: Admixed American, 0.08%; no homozygotes.

Submissions (6):

Labcorp Genetics (formerly Invitae), Labcorp
Classification: Likely benign. Last evaluated: 2025-12-16. Review status: criteria provided, single submitter. Criteria: Invitae Variant Classification Sherloc (09022015). Collection method: clinical testing. Allele origin: germline.

Blueprint Genetics
Classification: Uncertain significance. Last evaluated: 2024-10-11. Review status: criteria provided, single submitter. Criteria: ACMG Guidelines, 2015. Collection method: clinical testing. Allele origin: germline.

Illumina Laboratory Services, Illumina
Classification: Uncertain significance for Membranoproliferative glomerulonephritis with complement factor h deficiency. Last evaluated: 2018-03-16. Review status: criteria provided, single submitter. Criteria: ICSL Variant Classification Criteria 13 December 2019. Collection method: clinical testing. Allele origin: germline.

Illumina Laboratory Services, Illumina
Classification: Uncertain significance for Basal laminar drusen. Last evaluated: 2018-03-16. Review status: criteria provided, single submitter. Criteria: ICSL Variant Classification Criteria 13 December 2019. Collection method: clinical testing. Allele origin: germline.

Illumina Laboratory Services, Illumina
Classification: Uncertain significance for Age related macular degeneration 4. Last evaluated: 2018-03-16. Review status: criteria provided, single submitter. Criteria: ICSL Variant Classification Criteria 13 December 2019. Collection method: clinical testing. Allele origin: germline.

Illumina Laboratory Services, Illumina
Classification: Benign for Hemolytic uremic syndrome, atypical, susceptibility to, 1. Last evaluated: 2018-03-12. Review status: criteria provided, single submitter. Criteria: ICSL Variant Classification Criteria 13 December 2019. Collection method: clinical testing. Allele origin: germline.
Comment: This variant was observed in the ICSL laboratory as part of a predisposition screen in an ostensibly healthy population. It had not been previously curated by ICSL or reported in the Human Gene Mutation Database (HGMD: prior to June 1st, 2018), and was therefore a candidate for classification through an automated scoring system. Utilizing variant allele frequency, disease prevalence and penetrance estimates, and inheritance mode, an automated score was calculated to assess if this variant is too frequent to cause the disease. Based on the score and internal cut-off values, a variant classified as benign is not then subjected to further curation. The score for this variant resulted in a classification of benign for this disease.

NM_000186.4(CFH):c.2956+13G>A

Gene: CFH (complement factor H; plus strand). Cytogenetic location: 1q31.3.
Variant type: single nucleotide variant.
Coding change: c.2956+13G>A on transcript NM_000186.4 (MANE Select); 13 bases into the intron after coding-DNA position 2956, G replaced by A.
Molecular consequence: intron variant.
Genome position (GRCh38, 1-based): chr1:196,740,805, G>A. VCF-style: chr1-196740805-G-A. GRCh37 (hg19) VCF-style: chr1-196709935-G-A.
Identifiers: ClinVar variation 874382 (VCV000874382.12), dbSNP rs572034879, ClinGen allele CA1305785.